The following is an entry in ClinVar:

NM_001110556.2(FLNA):c.4721_4732del (p.Asp1574_Glu1577del)

Gene: FLNA (filamin A; minus strand). Cytogenetic location: Xq28.
Variant type: Deletion.
Coding change: c.4721_4732del on transcript NM_001110556.2 (MANE Select); coding-DNA positions 4721 to 4732, 12 bases deleted (ACGCCGGGGAGG).
Protein change: p.Asp1574_Glu1577del.
Molecular consequence: inframe deletion.
Genome position (GRCh38, 1-based): chrX:154,358,222-154,358,233, CCTCCCCGGCGT deleted on the plus strand (ACGCCGGGGAGG on the coding strand, the reverse complement: FLNA is on the minus strand); deleting any 12 consecutive bases within chrX:154,358,222-154,358,236 gives the same sequence; the c. name uses the placement nearest the transcript's 3' end. VCF-style (leftmost placement, unchanged base first): chrX-154358221-CCCTCCCCGGCGT-C. GRCh37 (hg19) VCF-style: chrX-153586589-CCCTCCCCGGCGT-C.
Other names: c.4721_4732delACGCCGGGGAGG (NM_001456.3); c.4721_4732del, p.Asp1574_Glu1577del (NM_001456.4).
Identifiers: ClinVar variation 464995 (VCV000464995.10), dbSNP rs1557177229, ClinGen allele CA658659073.

ClinVar aggregate classification (germline): Uncertain significance (1 of 4 stars; one submission).

Conditions:
Heterotopia, periventricular, X-linked dominant (PVNH1). Also called: PERIVENTRICULAR NODULAR HETEROTOPIA 1; X-linked periventricular heterotopia; PERIVENTRICULAR NODULAR HETEROTOPIA 4; HETEROTOPIA, PERIVENTRICULAR, 1. Identifiers: Orphanet 2149, Orphanet 82004, MedGen C1848213, MONDO:0010233, OMIM 300049.
Oto-palato-digital syndrome, type II (OPD2). Also called: FACIOPALATOOSSEOUS SYNDROME; OPD II SYNDROME; Otopalatodigital Syndrome Type 2 (FLNA-OPD2); Otopalatodigital Syndrome, Type II. Identifiers: Orphanet 669, Orphanet 90652, MedGen C1844696, MONDO:0010571, OMIM 304120.
Frontometaphyseal dysplasia (FMD1). Identifiers: Orphanet 1826, MedGen C0265293, MONDO:0015942.
Melnick-Needles syndrome (MNS). Also called: MELNICK-NEEDLES OSTEODYSPLASTY; OSTEODYSPLASTY OF MELNICK AND NEEDLES; Melnick-Needles Syndrome (FLNA-MNS). Identifiers: Orphanet 2484, MedGen C0025237, MONDO:0010650, OMIM 309350.

Submission:

Labcorp Genetics (formerly Invitae), Labcorp
Classification: Uncertain significance for Oto-palato-digital syndrome, type II; Heterotopia, periventricular, X-linked dominant; Frontometaphyseal dysplasia; Melnick-Needles syndrome. Last evaluated: 2017-07-07. Review status: criteria provided, single submitter. Criteria: Invitae Variant Classification Sherloc (09022015). Collection method: clinical testing. Allele origin: germline.
Comment: This variant has not been reported in the literature in individuals with FLNA-related disease. In summary, the available evidence is currently insufficient to determine the role of this variant in disease. Therefore, it has been classified as a Variant of Uncertain Significance. A missense substitution within the deleted amino acids (p.Gly1576Arg) has been determined to be pathogenic (PMID: 26686323, 26804200). This suggests that the glycine residue is critical for FLNA protein function. Experimental studies and prediction algorithms are not available for this variant, and the functional significance of the deleted amino acids is currently unknown. This variant is not present in population databases (ExAC no frequency). This variant, c.4721_4732del, results in the deletion of 4 amino acids of the FLNA protein (p.Asp1574_Glu1577del), but otherwise preserves the integrity of the reading frame.

Literature cited by the submitters: PubMed 26686323; PubMed 26804200.